The following is an entry in ClinVar:

NM_001367624.2(ZNF469):c.2128C>T (p.Pro710Ser)

Gene: ZNF469 (zinc finger protein 469; plus strand). Cytogenetic location: 16q24.2.
Variant type: single nucleotide variant.
Coding change: c.2128C>T on transcript NM_001367624.2 (MANE Select); coding-DNA position 2128, C replaced by T.
Protein change: p.Pro710Ser; replaces proline 710 with serine.
Molecular consequence: missense variant.
Genome position (GRCh38, 1-based): chr16:88,429,598, C>T. VCF-style: chr16-88429598-C-T. GRCh37 (hg19) VCF-style: chr16-88496006-C-T.
Other names: NM_001127464.1:c.2128C>T; short protein forms P710S.
Identifiers: ClinVar variation 1786346 (VCV001786346.5), dbSNP rs964503200, ClinGen allele CA286373375.
Genomic context (GRCh38, chr16:88,429,598, plus strand): 5'-TTCCCCCACGAGGGCCCCGAGGTGGGTCGGGGAGGGCTGCAGGGCTTCCCCCGTGCGCCG[C>T]CTCCGTACCCCACACACCACTTCTCCCTCAGCAGCGCCAGCCTGGACCAGCTGGACGTGC-3'
Protein context (NP_001354553.1, residues 700-720): GGLQGFPRAP[Pro710Ser]PYPTHHFSLS

ClinVar aggregate classification (germline): Uncertain significance. Review status: criteria provided, multiple submitters, no conflicts (2 of 4 stars). 3 submissions from 3 submitters: Uncertain significance (3). Last evaluated 2025-05-27.

Conditions:
Cardiovascular phenotype. Identifiers: MedGen CN230736.

Allele frequency attached by ClinVar (database versions not stated): gnomAD 0.00001.
gnomAD v4.1: 36 of 1,549,050 alleles (0.0023%); highest among the groups gnomAD compares: Non-Finnish European, 0.0031%; no homozygotes.

Submissions (3):

Women's Health and Genetics/Laboratory Corporation of America, LabCorp
Classification: Uncertain significance. Last evaluated: 2025-05-27. Review status: criteria provided, single submitter. Criteria: LabCorp Variant Classification Summary - May 2015. Collection method: clinical testing. Allele origin: germline.
Comment: Variant summary: ZNF469 c.2128C>T (p.Pro710Ser) results in a non-conservative amino acid change in the encoded protein sequence. Algorithms developed to predict the effect of missense changes on protein structure and function are either unavailable or do not agree on the potential impact of this missense change. The variant allele was found at a frequency of 1.4e-05 in 147264 control chromosomes. The available data on variant occurrences in the general population are insufficient to allow any conclusion about variant significance. To our knowledge, no occurrence of c.2128C>T in individuals affected with Brittle cornea syndrome 1 and no experimental evidence demonstrating its impact on protein function have been reported. ClinVar contains an entry for this variant (Variation ID: 1786346). Based on the evidence outlined above, the variant was classified as uncertain significance.

Ambry Genetics
Classification: Uncertain significance for Cardiovascular phenotype. Last evaluated: 2022-06-14. Review status: criteria provided, single submitter. Criteria: Ambry Variant Classification Scheme 2023. Collection method: clinical testing. Allele origin: germline.
Comment: The p.P710S variant (also known as c.2128C>T), located in coding exon 1 of the ZNF469 gene, results from a C to T substitution at nucleotide position 2128. The proline at codon 710 is replaced by serine, an amino acid with similar properties. This amino acid position is conserved. In addition, this alteration is predicted to be tolerated by in silico analysis. Since supporting evidence is limited at this time, the clinical significance of this alteration remains unclear.

Labcorp Genetics (formerly Invitae), Labcorp
Classification: Uncertain significance. Last evaluated: 2022-02-22. Review status: criteria provided, single submitter. Criteria: Invitae Variant Classification Sherloc (09022015). Collection method: clinical testing. Allele origin: germline.
Comment: This sequence change replaces proline, which is neutral and non-polar, with serine, which is neutral and polar, at codon 710 of the ZNF469 protein (p.Pro710Ser). This variant is present in population databases (no rsID available, gnomAD 0.004%). This variant has not been reported in the literature in individuals affected with ZNF469-related conditions. Algorithms developed to predict the effect of missense changes on protein structure and function are either unavailable or do not agree on the potential impact of this missense change (SIFT: "Deleterious"; PolyPhen-2: "Benign"; Align-GVGD: "Class C0"). In summary, the available evidence is currently insufficient to determine the role of this variant in disease. Therefore, it has been classified as a Variant of Uncertain Significance.